The following is an entry in ClinVar:

ClinVar aggregate classification (germline): Uncertain significance (1 of 4 stars; one submission).

Submission:

Labcorp Genetics (formerly Invitae), Labcorp
Classification: Uncertain significance. Last evaluated: 2024-02-20. Review status: criteria provided, single submitter. Criteria: Invitae Variant Classification Sherloc (09022015). Collection method: clinical testing. Allele origin: germline.
Comment: This sequence change falls in intron 22 of the ATRN gene. It does not directly change the encoded amino acid sequence of the ATRN protein. It affects a nucleotide within the consensus splice site. This variant is not present in population databases (gnomAD no frequency). This variant has not been reported in the literature in individuals affected with ATRN-related conditions. Variants that disrupt the consensus splice site are a relatively common cause of aberrant splicing (PMID: 17576681, 9536098). Algorithms developed to predict the effect of sequence changes on RNA splicing suggest that this variant is not likely to affect RNA splicing. In summary, the available evidence is currently insufficient to determine the role of this variant in disease. Therefore, it has been classified as a Variant of Uncertain Significance.

Literature cited by the submitters: PubMed 17576681; PubMed 9536098.

NM_139321.3(ATRN):c.3564+6A>G

Gene: ATRN (attractin; plus strand). Cytogenetic location: 20p13.
Variant type: single nucleotide variant.
Coding change: c.3564+6A>G on transcript NM_139321.3 (MANE Select); 6 bases into the intron after coding-DNA position 3564, A replaced by G.
Molecular consequence: intron variant.
Genome position (GRCh38, 1-based): chr20:3,598,006, A>G. VCF-style: chr20-3598006-A-G. GRCh37 (hg19) VCF-style: chr20-3578653-A-G.
Other names: c.3564+6A>G (NM_001323332.2, NM_139322.4); c.3216+6A>G (NM_001207047.3).
Identifiers: ClinVar variation 3616947 (VCV003616947.2).